The following is an entry in ClinVar:

NM_015466.4(PTPN23):c.79AAG[1] (p.Lys28del)

Genes: PTPN23 (protein tyrosine phosphatase non-receptor type 23; plus strand), PTPN23-DT (PTPN23 divergent transcript; minus strand). Cytogenetic location: 3p21.31.
Variant type: Microsatellite.
Coding change: c.79AAG[1] on transcript NM_015466.4 (MANE Select); one copy of the 3-base unit AAG starting at c.79; the reference has two copies in a row; one copy, 3 bases deleted.
Protein change: p.Lys28del; deletes lysine 28.
Molecular consequence: inframe deletion. On other transcripts: 5 prime UTR variant (1).
Genome position (GRCh38, 1-based): chr3:47,381,178-47,381,180, AAG deleted; deleting any 3 consecutive bases within chr3:47,381,174-47,381,180 gives the same sequence; the position shown is the placement nearest the transcript's 3' end. VCF-style (leftmost placement, unchanged base first): chr3-47381173-TGAA-T. GRCh37 (hg19) VCF-style: chr3-47422663-TGAA-T.
Other names: c.-172AAG[1] (NM_001304482.2); short protein forms K28del.
Identifiers: ClinVar variation 1499435 (VCV001499435.5), dbSNP rs1704527687, ClinGen allele CA1047569509.

ClinVar aggregate classification (germline): Uncertain significance (1 of 4 stars; one submission).

Submission:

Labcorp Genetics (formerly Invitae), Labcorp
Classification: Uncertain significance. Last evaluated: 2024-10-15. Review status: criteria provided, single submitter. Criteria: Invitae Variant Classification Sherloc (09022015). Collection method: clinical testing. Allele origin: germline.
Comment: This variant, c.82_84del, results in the deletion of 1 amino acid(s) of the PTPN23 protein (p.Lys28del), but otherwise preserves the integrity of the reading frame. This variant is not present in population databases (gnomAD no frequency). This variant has not been reported in the literature in individuals affected with PTPN23-related conditions. Experimental studies and prediction algorithms are not available or were not evaluated, and the functional significance of this variant is currently unknown. In summary, the available evidence is currently insufficient to determine the role of this variant in disease. Therefore, it has been classified as a Variant of Uncertain Significance.